The following is an entry in ClinVar:

NM_006270.5(RRAS):c.74C>T (p.Pro25Leu)

Gene: RRAS (RAS related; minus strand). Cytogenetic location: 19q13.33.
Variant type: single nucleotide variant.
Coding change: c.74C>T on transcript NM_006270.5 (MANE Select); coding-DNA position 74, C replaced by T.
Protein change: p.Pro25Leu; replaces proline 25 with leucine.
Molecular consequence: missense variant.
Genome position (GRCh38, 1-based): chr19:49,640,025, G>A on the plus strand (C>T on the coding strand, the complement: RRAS is on the minus strand). VCF-style: chr19-49640025-G-A. GRCh37 (hg19) VCF-style: chr19-50143282-G-A.
Other names: short protein forms P25L.
Identifiers: ClinVar variation 642527 (VCV000642527.12), dbSNP rs558985706, ClinGen allele CA9579166.

ClinVar aggregate classification (germline): Likely benign. Review status: criteria provided, multiple submitters, no conflicts (2 of 4 stars). 3 submissions from 3 submitters: Likely benign (3). Last evaluated 2025-12-18.

Conditions:
Noonan syndrome (NS). Also called: Noonan's syndrome. Identifiers: Orphanet 648, MedGen C0028326, MeSH D009634, MONDO:0018997. Disease mechanism: gain of function.

Allele frequency attached by ClinVar (database versions not stated): gnomAD 0.00002 and 0.00001; gnomAD exomes 0.00015; ExAC 0.00016; TOPMed 0.00004; 1000 Genomes Project 30x 0.00016; 1000 Genomes Project 0.00020.
gnomAD v4.1: 33 of 1,554,234 alleles (0.0021%); highest among the groups gnomAD compares: East Asian, 0.025%; 1 homozygote.

Submissions (3):

Labcorp Genetics (formerly Invitae), Labcorp
Classification: Likely benign for Noonan syndrome. Last evaluated: 2025-12-18. Review status: criteria provided, single submitter. Criteria: Invitae Variant Classification Sherloc (09022015). Collection method: clinical testing. Allele origin: germline.

Ambry Genetics
Classification: Likely benign. Last evaluated: 2023-04-04. Review status: criteria provided, single submitter. Criteria: Ambry Variant Classification Scheme 2023. Collection method: clinical testing. Allele origin: germline.

Women's Health and Genetics/Laboratory Corporation of America, LabCorp
Classification: Likely benign. Last evaluated: 2020-12-07. Review status: criteria provided, single submitter. Criteria: LabCorp Variant Classification Summary - May 2015. Collection method: clinical testing. Allele origin: germline.
Comment: Variant summary: RRAS c.74C>T (p.Pro25Leu) results in a non-conservative amino acid change in the encoded protein sequence. Three of five in-silico tools predict a benign effect of the variant on protein function. The variant allele was found at a frequency of 0.00015 in 160394 control chromosomes, predominantly at a frequency of 0.0016 within the East Asian subpopulation in the gnomAD database. The observed variant frequency within East Asian control individuals in the gnomAD database is approximately 640 fold of the estimated maximal expected allele frequency for a pathogenic variant in RRAS causing Noonan Syndrome And Related Conditions phenotype (2.5e-06), strongly suggesting that the variant is a benign polymorphism found primarily in populations of East Asian origin. To our knowledge, no occurrence of c.74C>T in individuals affected with Noonan Syndrome And Related Conditions and no experimental evidence demonstrating its impact on protein function have been reported. One clinical diagnostic laboratory has submitted clinical-significance assessments for this variant to ClinVar after 2014 without evidence for independent evaluation and classified the variant as uncertain significance. Based on the evidence outlined above, the variant was classified as likely benign.